The following is an entry in ClinVar:

ClinVar aggregate classification (germline): Uncertain significance. Review status: criteria provided, multiple submitters, no conflicts (2 of 4 stars). 3 submissions from 3 submitters: Uncertain significance (3). Last evaluated 2023-05-10.

Conditions:
Hereditary nonpolyposis colorectal neoplasms. Identifiers: MedGen C0009405, MeSH D003123.
Hereditary cancer-predisposing syndrome. Also called: Neoplastic Syndromes, Hereditary; Tumor predisposition; Hereditary Cancer Syndrome; Hereditary neoplastic syndrome. Identifiers: Orphanet 140162, MedGen C0027672, MeSH D009386, MONDO:0015356.

Submissions (3):

Labcorp Genetics (formerly Invitae), Labcorp
Classification: Uncertain significance for Hereditary nonpolyposis colorectal neoplasms. Last evaluated: 2023-05-10. Review status: criteria provided, single submitter. Criteria: Invitae Variant Classification Sherloc (09022015). Collection method: clinical testing. Allele origin: germline.
Comment: ClinVar contains an entry for this variant (Variation ID: 525819). Advanced modeling of protein sequence and biophysical properties (such as structural, functional, and spatial information, amino acid conservation, physicochemical variation, residue mobility, and thermodynamic stability) performed at Invitae indicates that this missense variant is not expected to disrupt MSH6 protein function. In summary, the available evidence is currently insufficient to determine the role of this variant in disease. Therefore, it has been classified as a Variant of Uncertain Significance. This variant has not been reported in the literature in individuals affected with MSH6-related conditions. This sequence change replaces arginine, which is basic and polar, with leucine, which is neutral and non-polar, at codon 248 of the MSH6 protein (p.Arg248Leu). This variant is not present in population databases (gnomAD no frequency).

Ambry Genetics
Classification: Uncertain significance for Hereditary cancer-predisposing syndrome. Last evaluated: 2019-03-20. Review status: criteria provided, single submitter. Criteria: Ambry Variant Classification Scheme 2023. Collection method: clinical testing. Allele origin: germline.
Comment: The p.R248L variant (also known as c.743G>T), located in coding exon 4 of the MSH6 gene, results from a G to T substitution at nucleotide position 743. The arginine at codon 248 is replaced by leucine, an amino acid with dissimilar properties. This amino acid position is well conserved in available vertebrate species. In addition, the in silico prediction for this alteration is inconclusive. In addition, the CoDP in silico tool predicts this alteration to have a minor impact on molecular function, with a score of 0.000 (Terui H et al. J. Biomed. Sci. 2013 Apr;20:25). Since supporting evidence is limited at this time, the clinical significance of this alteration remains unclear.

Color Diagnostics, LLC DBA Color Health
Classification: Uncertain significance for Hereditary cancer-predisposing syndrome. Last evaluated: 2018-12-20. Review status: criteria provided, single submitter. Criteria: ACMG Guidelines, 2015. Collection method: clinical testing. Allele origin: germline.

NM_000179.3(MSH6):c.743G>T (p.Arg248Leu)

Gene: MSH6 (mutS homolog 6; plus strand). Cytogenetic location: 2p16.3.
Variant type: single nucleotide variant.
Coding change: c.743G>T on transcript NM_000179.3 (MANE Select); coding-DNA position 743, G replaced by T.
Protein change: p.Arg248Leu; replaces arginine 248 with leucine.
Molecular consequence: missense variant. On other transcripts: 5 prime UTR variant (2).
Genome position (GRCh38, 1-based): chr2:47,798,726, G>T. VCF-style: chr2-47798726-G-T. GRCh37 (hg19) VCF-style: chr2-48025865-G-T.
Other names: c.353G>T, p.Arg118Leu (NM_001281492.2); c.-164G>T (NM_001281493.2, NM_001281494.2); short protein forms R248L, R118L.
Identifiers: ClinVar variation 525819 (VCV000525819.14), dbSNP rs764870249, ClinGen allele CA346740098.